The following is an entry in ClinVar:

ClinVar aggregate classification (germline): Uncertain significance (1 of 4 stars; one submission).

Conditions:
Zellweger spectrum disorders (ZS). Also called: Zellweger syndrome; Zellweger Spectrum Disorder; Zellweger Spectrum; Zellweger Spectrum Disorder (ZSD). Identifiers: Orphanet 912, MedGen C0043459, MONDO:0019609.

Allele frequency attached by ClinVar (database versions not stated): TOPMed below 0.00001; gnomAD exomes 0.00001; gnomAD 0.00002.

Submission:

Labcorp Genetics (formerly Invitae), Labcorp
Classification: Uncertain significance for Zellweger spectrum disorders. Last evaluated: 2022-07-06. Review status: criteria provided, single submitter. Criteria: Invitae Variant Classification Sherloc (09022015). Collection method: clinical testing. Allele origin: germline.
Comment: This sequence change replaces glutamine, which is neutral and polar, with lysine, which is basic and polar, at codon 149 of the PEX1 protein (p.Gln149Lys). This variant is present in population databases (rs780639043, gnomAD 0.002%). This variant has not been reported in the literature in individuals affected with PEX1-related conditions. Algorithms developed to predict the effect of missense changes on protein structure and function (SIFT, PolyPhen-2, Align-GVGD) all suggest that this variant is likely to be tolerated. In summary, the available evidence is currently insufficient to determine the role of this variant in disease. Therefore, it has been classified as a Variant of Uncertain Significance.

NM_000466.3(PEX1):c.445C>A (p.Gln149Lys)

Gene: PEX1 (peroxisomal biogenesis factor 1; minus strand). Cytogenetic location: 7q21.2.
Variant type: single nucleotide variant.
Coding change: c.445C>A on transcript NM_000466.3 (MANE Select); coding-DNA position 445, C replaced by A.
Protein change: p.Gln149Lys; replaces glutamine 149 with lysine.
Molecular consequence: missense variant. On other transcripts: 5 prime UTR variant (1).
Genome position (GRCh38, 1-based): chr7:92,518,168, G>T on the plus strand (C>A on the coding strand, the complement: PEX1 is on the minus strand). VCF-style: chr7-92518168-G-T. GRCh37 (hg19) VCF-style: chr7-92147482-G-T.
Other names: c.445C>A, p.Gln149Lys (NM_001282677.2); c.-180C>A (NM_001282678.2); short protein forms Q149K.
Identifiers: ClinVar variation 2060787 (VCV002060787.1), dbSNP rs780639043, ClinGen allele CA161974114.